The following is an entry in ClinVar:

NM_000019.4(ACAT1):c.534G>T (p.Leu178Phe)

Gene: ACAT1 (acetyl-CoA acetyltransferase 1; plus strand). Cytogenetic location: 11q22.3.
Variant type: single nucleotide variant.
Coding change: c.534G>T on transcript NM_000019.4 (MANE Select); coding-DNA position 534, G replaced by T.
Protein change: p.Leu178Phe; replaces leucine 178 with phenylalanine.
Molecular consequence: missense variant.
Genome position (GRCh38, 1-based): chr11:108,138,996, G>T. VCF-style: chr11-108138996-G-T. GRCh37 (hg19) VCF-style: chr11-108009723-G-T.
Other names: short protein forms L178F.
Identifiers: ClinVar variation 666487 (VCV000666487.2), dbSNP rs1320114846, ClinGen allele CA382507254.
Genomic context (GRCh38, chr11:108,138,996, plus strand): 5'-TGTTCCATATGTAATGAACAGAGGATCAACACCATATGGTGGGGTAAAGCTTGAAGATTT[G>T]ATTGTAAAAGACGGGCTAACTGATGTCTACAATAAAATTCATATGGTAAATGTGATTTTT-3'
Protein context (NP_000010.1, residues 168-188): TPYGGVKLED[Leu178Phe]IVKDGLTDVY

ClinVar aggregate classification (germline): Uncertain significance. Review status: criteria provided, multiple submitters, no conflicts (2 of 4 stars). 2 submissions from 2 submitters: Uncertain significance (2). Last evaluated 2026-06-09.

Conditions:
Deficiency of acetyl-CoA acetyltransferase. Also called: Beta-ketothiolase deficiency; 3-KETOTHIOLASE DEFICIENCY; 3-OXOTHIOLASE DEFICIENCY; MITOCHONDRIAL ACETOACETYL-CoA THIOLASE DEFICIENCY. Identifiers: Orphanet 134, MedGen C1536500, MONDO:0008760, OMIM 203750. Disease mechanism: loss of function.

Submissions (2):

Myriad Genetics, Inc.
Classification: Uncertain significance for Deficiency of acetyl-CoA acetyltransferase. Last evaluated: 2026-06-09. Review status: criteria provided, single submitter. Criteria: Myriad Autosomal Dominant, Autosomal Recessive and X-Linked Classification Criteria (2023). Collection method: clinical testing. Allele origin: unknown.
Comment: NM_000019.3(ACAT1):c.534G>T(L178F) is a missense variant classified as a variant of uncertain significance in the context of beta-ketothiolase deficiency. L178F has been observed in a case with relevant disease (PMID: 28255778). Relevant functional assessments of this variant are not available in the literature. L178F has not been observed in referenced population frequency databases. In summary, there is insufficient evidence to classify NM_000019.3(ACAT1):c.534G>T(L178F) as pathogenic or benign. Please note: this variant was assessed in the context of healthy population screening.

Department of Pediatrics, Gifu University
Classification: Uncertain significance for Deficiency of acetyl-CoA acetyltransferase. Last evaluated: 2019-05-05. Review status: criteria provided, single submitter. Criteria: ACMG Guidelines, 2015. Collection method: literature only. Allele origin: germline. Affected: yes. Observed: 1 variant allele.

Literature cited by the submitters: PubMed 28255778 (cited by Myriad Genetics, Inc.); PubMed 31268215 (cited by Department of Pediatrics, Gifu University).